The following is an entry in ClinVar:

NM_014889.4(PITRM1):c.1783A>G (p.Met595Val)

Gene: PITRM1 (pitrilysin metallopeptidase 1; minus strand). Cytogenetic location: 10p15.2.
Variant type: single nucleotide variant.
Coding change: c.1783A>G on transcript NM_014889.4 (MANE Select); coding-DNA position 1783, A replaced by G.
Protein change: p.Met595Val; replaces methionine 595 with valine.
Molecular consequence: missense variant. On other transcripts: non-coding transcript variant (4).
Genome position (GRCh38, 1-based): chr10:3,149,709, T>C on the plus strand (A>G on the coding strand, the complement: PITRM1 is on the minus strand). VCF-style: chr10-3149709-T-C. GRCh37 (hg19) VCF-style: chr10-3191901-T-C.
Other names: c.1783A>G, p.Met595Val (NM_001242307.2, NM_001347725.2); c.1687A>G, p.Met563Val (NM_001242309.1); c.1168A>G, p.Met390Val (NM_001347726.2, NM_001347727.2); c.478A>G, p.Met160Val (NM_001347728.2); c.1759A>G, p.Met587Val (NM_001347729.1, NM_001347730.1); c.1783A>G (NM_001242307.1); short protein forms M563V, M595V, M160V, M390V, M587V.
Identifiers: ClinVar variation 2719162 (VCV002719162.5), dbSNP rs146978510, ClinGen allele CA5387677.
Genomic context (GRCh38, chr10:3,149,709, plus strand): 5'-CATAGGGCCTCAGCTCCTCGGGGAGTGTGTTCAGGCTGGAGAAGGCCCGGAAATACACCA[T>C]GCCATTGGTGGGCTGGGCGCAGTACTGAACAGGGATATCTCCAGCTAGAAAAACAAAAGG-3'
Protein context (NP_055704.2, residues 585-605): VQYCAQPTNG[Met595Val]VYFRAFSSLN

ClinVar aggregate classification (germline): Likely benign. Review status: criteria provided, multiple submitters, no conflicts (2 of 4 stars). 3 submissions from 3 submitters: Likely benign (3). Last evaluated 2026-05-20.

Conditions:
PITRM1-related disorder. Also called: PITRM1-related condition.

Allele frequency attached by ClinVar (database versions not stated): gnomAD exomes 0.00008; ExAC 0.00030; 1000 Genomes Project 0.00080; ESP Exome Variant Server 0.00082; gnomAD 0.00092; 1000 Genomes Project 30x 0.00094; TOPMed 0.00101.
gnomAD v4.1: 270 of 1,612,118 alleles (0.017%); highest among the groups gnomAD compares: African/African-American, 0.33%; no homozygotes.

Submissions (3):

PreventionGenetics, part of Exact Sciences
Classification: Likely benign for PITRM1-related condition. Last evaluated: 2026-05-20. Review status: criteria provided, single submitter. Criteria: ACMG Guidelines, 2015. Collection method: clinical testing. Allele origin: germline.
Comment: This variant is classified as likely benign based on ACMG/AMP sequence variant interpretation guidelines (Richards et al. 2015 PMID: 25741868, with internal and published modifications).

Labcorp Genetics (formerly Invitae), Labcorp
Classification: Likely benign. Last evaluated: 2025-10-19. Review status: criteria provided, single submitter. Criteria: Invitae Variant Classification Sherloc (09022015). Collection method: clinical testing. Allele origin: germline.

Ambry Genetics
Classification: Likely benign. Last evaluated: 2025-08-03. Review status: criteria provided, single submitter. Criteria: Ambry Variant Classification Scheme 2023. Collection method: clinical testing. Allele origin: germline.